The following is an entry in ClinVar:

ClinVar aggregate classification (germline): Pathogenic (1 of 4 stars; one submission).

Conditions:
LAMA2-related muscular dystrophy (LAMA2-RD). Also called: Laminin alpha 2-related dystrophy. Identifiers: MedGen C5679788, MONDO:0100228.

Submission:

Labcorp Genetics (formerly Invitae), Labcorp
Classification: Pathogenic for LAMA2-related muscular dystrophy. Last evaluated: 2019-02-25. Review status: criteria provided, single submitter. Criteria: Invitae Variant Classification Sherloc (09022015). Collection method: clinical testing. Allele origin: germline.
Comment: For these reasons, this variant has been classified as Pathogenic. Loss-of-function variants in LAMA2 are known to be pathogenic (PMID: 18700894). This variant is not present in population databases (ExAC no frequency). This sequence change creates a premature translational stop signal (p.Thr2895Profs*9) in the LAMA2 gene. It is expected to result in an absent or disrupted protein product.

Literature cited by the submitters: PubMed 18700894.

NM_000426.4(LAMA2):c.8683_8687del (p.Thr2895fs)

Gene: LAMA2 (laminin subunit alpha 2; plus strand). Cytogenetic location: 6q22.33.
Variant type: Microsatellite.
Coding change: c.8683_8687del on transcript NM_000426.4 (MANE Select); coding-DNA positions 8683 to 8687, 5 bases deleted (ACTAC; older notation c.8683_8687delACTAC).
Protein change: p.Thr2895fs; shifts the reading frame from threonine 2895.
Molecular consequence: frameshift variant.
Genome position (GRCh38, 1-based): chr6:129,505,335-129,505,339, ACTAC deleted; deleting any 5 consecutive bases within chr6:129,505,330-129,505,339 gives the same sequence; the c. name uses the placement nearest the transcript's 3' end. VCF-style (leftmost placement, unchanged base first): chr6-129505329-AACTAC-A. GRCh37 (hg19) VCF-style: chr6-129826474-AACTAC-A.
Other names: c.8671_8675del, p.Thr2891fs (NM_001079823.2); short protein forms T2891fs, T2895fs.
Identifiers: ClinVar variation 842378 (VCV000842378.10), dbSNP rs1785972046, ClinGen allele CA916081492.
Genomic context (GRCh38, chr6:129,505,329, plus strand): 5'-CCCAAAAAAGCCGACATCCTGGATGTCGTGGGAATGCTGTATGTTGGTGGGTTACCCATC[AACTAC>A]ACTACCCGAAGAATTGGTCCAGTAAATATCTGATTTCTTCTTTATTACTTAAATATATGG-3'